The following is an entry in ClinVar:

ClinVar aggregate classification (germline): Uncertain significance. Review status: criteria provided, multiple submitters, no conflicts (2 of 4 stars). 2 submissions from 2 submitters: Uncertain significance (2). Last evaluated 2022-08-16.

Conditions:
Hereditary cancer-predisposing syndrome. Also called: Tumor predisposition; Hereditary neoplastic syndrome; Neoplastic Syndromes, Hereditary; Hereditary Cancer Syndrome. Identifiers: Orphanet 140162, MedGen C0027672, MeSH D009386, MONDO:0015356.
Ataxia-telangiectasia syndrome (AT). Also called: Ataxia-telangiectasia, complementation group D; AT, COMPLEMENTATION GROUP C; ATAXIA-TELANGIECTASIA, COMPLEMENTATION GROUP A; ATAXIA-TELANGIECTASIA, FRESNO VARIANT; Ataxia-telangiectasia; LOUIS-BAR SYNDROME. Identifiers: Orphanet 100, MedGen C0004135, MONDO:0008840, OMIM 208900.

Submissions (2):

Labcorp Genetics (formerly Invitae), Labcorp
Classification: Uncertain significance for Ataxia-telangiectasia syndrome. Last evaluated: 2022-08-16. Review status: criteria provided, single submitter. Criteria: Invitae Variant Classification Sherloc (09022015). Collection method: clinical testing. Allele origin: germline.
Comment: In summary, the available evidence is currently insufficient to determine the role of this variant in disease. Therefore, it has been classified as a Variant of Uncertain Significance. Algorithms developed to predict the effect of missense changes on protein structure and function (SIFT, PolyPhen-2, Align-GVGD) all suggest that this variant is likely to be tolerated. ClinVar contains an entry for this variant (Variation ID: 648982). This variant has not been reported in the literature in individuals affected with ATM-related conditions. This variant is not present in population databases (gnomAD no frequency). This sequence change replaces cysteine, which is neutral and slightly polar, with tyrosine, which is neutral and polar, at codon 2991 of the ATM protein (p.Cys2991Tyr).

Ambry Genetics
Classification: Uncertain significance for Hereditary cancer-predisposing syndrome. Last evaluated: 2020-04-09. Review status: criteria provided, single submitter. Criteria: Ambry Variant Classification Scheme 2023. Collection method: clinical testing. Allele origin: germline.
Comment: The p.C2991Y variant (also known as c.8972G>A), located in coding exon 61 of the ATM gene, results from a G to A substitution at nucleotide position 8972. The cysteine at codon 2991 is replaced by tyrosine, an amino acid with highly dissimilar properties. This amino acid position is not well conserved in available vertebrate species. In addition, this alteration is predicted to be tolerated by in silico analysis. Since supporting evidence is limited at this time, the clinical significance of this alteration remains unclear.

NM_000051.4(ATM):c.8972G>A (p.Cys2991Tyr)

Genes: ATM (ATM serine/threonine kinase; plus strand), C11orf65 (chromosome 11 open reading frame 65; minus strand). Cytogenetic location: 11q22.3.
Variant type: single nucleotide variant.
Coding change: c.8972G>A on transcript NM_000051.4 (MANE Select); coding-DNA position 8972, G replaced by A.
Protein change: p.Cys2991Tyr; replaces cysteine 2991 with tyrosine.
Molecular consequence: missense variant. On other transcripts: intron variant (2).
Genome position (GRCh38, 1-based): chr11:108,365,203, G>A. VCF-style: chr11-108365203-G-A. GRCh37 (hg19) VCF-style: chr11-108235930-G-A.
Other names: c.8972G>A, p.Cys2991Tyr (NM_001351834.2); c.640+20717C>T (NM_001330368.2); c.694+20717C>T (NM_001351110.2); short protein forms C2991Y.
Identifiers: ClinVar variation 648982 (VCV000648982.11), dbSNP rs1555151500, ClinGen allele CA382530375.